The following is an entry in ClinVar:

ClinVar aggregate classification (germline): Uncertain significance (1 of 4 stars; one submission).

Allele frequency attached by ClinVar (database versions not stated): gnomAD exomes below 0.00001; ExAC 0.00002; gnomAD 0.00002; TOPMed 0.00002.
gnomAD v4.1: 8 of 1,613,942 alleles (0.0005%); highest among the groups gnomAD compares: East Asian, 0.0022%; no homozygotes.

Submission:

Labcorp Genetics (formerly Invitae), Labcorp
Classification: Uncertain significance. Last evaluated: 2022-07-22. Review status: criteria provided, single submitter. Criteria: Invitae Variant Classification Sherloc (09022015). Collection method: clinical testing. Allele origin: germline.
Comment: This sequence change replaces aspartic acid, which is acidic and polar, with asparagine, which is neutral and polar, at codon 575 of the HPS5 protein (p.Asp575Asn). This variant is present in population databases (rs781429199, gnomAD 0.005%). This variant has not been reported in the literature in individuals affected with HPS5-related conditions. Algorithms developed to predict the effect of missense changes on protein structure and function (SIFT, PolyPhen-2, Align-GVGD) all suggest that this variant is likely to be tolerated. In summary, the available evidence is currently insufficient to determine the role of this variant in disease. Therefore, it has been classified as a Variant of Uncertain Significance.

NM_181507.2(HPS5):c.1723G>A (p.Asp575Asn)

Gene: HPS5 (HPS5 biogenesis of lysosomal organelles complex 2 subunit 2; minus strand). Cytogenetic location: 11p15.1.
Variant type: single nucleotide variant.
Coding change: c.1723G>A on transcript NM_181507.2 (MANE Select); coding-DNA position 1723, G replaced by A.
Protein change: p.Asp575Asn; replaces aspartic acid 575 with asparagine.
Molecular consequence: missense variant.
Genome position (GRCh38, 1-based): chr11:18,295,081, C>T on the plus strand (G>A on the coding strand, the complement: HPS5 is on the minus strand). VCF-style: chr11-18295081-C-T. GRCh37 (hg19) VCF-style: chr11-18316628-C-T.
Other names: c.1381G>A, p.Asp461Asn (NM_007216.4, NM_181508.2); short protein forms D461N, D575N.
Identifiers: ClinVar variation 1913666 (VCV001913666.2), dbSNP rs781429199, ClinGen allele CA5910028.